The following is an entry in ClinVar:

ClinVar aggregate classification (germline): Uncertain significance (0 of 4 stars; one submission).

Conditions:
MAST1-related disorder. Also called: MAST1-related condition.

Submission:

PreventionGenetics, part of Exact Sciences
Classification: Uncertain significance for MAST1-related condition. Last evaluated: 2024-02-29. Review status: no assertion criteria provided. Collection method: clinical testing. Allele origin: germline.
Comment: The MAST1 c.1206G>T variant is predicted to result in the amino acid substitution p.Met402Ile. To our knowledge, this variant has not been reported in the literature or in a large population database, indicating this variant is rare. At this time, the clinical significance of this variant is uncertain due to the absence of conclusive functional and genetic evidence.

NM_014975.3(MAST1):c.1206G>T (p.Met402Ile)

Gene: MAST1 (microtubule associated serine/threonine kinase 1; plus strand). Cytogenetic location: 19p13.13.
Variant type: single nucleotide variant.
Coding change: c.1206G>T on transcript NM_014975.3 (MANE Select); coding-DNA position 1206, G replaced by T.
Protein change: p.Met402Ile; replaces methionine 402 with isoleucine.
Molecular consequence: missense variant.
Genome position (GRCh38, 1-based): chr19:12,858,579, G>T. VCF-style: chr19-12858579-G-T. GRCh37 (hg19) VCF-style: chr19-12969393-G-T.
Other names: short protein forms M402I.
Identifiers: ClinVar variation 3061096 (VCV003061096.2), dbSNP rs1970044484, ClinGen allele CA404267552.